The following is an entry in ClinVar:

NC_000014.8:g.(?_76349008)_(76967064_?)dup

Genes: ESRRB (estrogen related receptor beta; plus strand), GPATCH2L (G-patch domain containing 2 like; plus strand), IFT43 (intraflagellar transport 43; plus strand), TGFB3 (transforming growth factor beta 3; minus strand), TTLL5 (tubulin tyrosine ligase like 5; plus strand). Cytogenetic location: 14q24.3.
Variant type: Duplication.
Identifiers: ClinVar variation 3244033 (VCV003244033.1).

ClinVar aggregate classification (germline): Uncertain significance (1 of 4 stars; one submission).

Conditions:
Rienhoff syndrome. Also called: LOEYS-DIETZ SYNDROME 5. Identifiers: MedGen C3810012, MONDO:0014262, OMIM 615582.

Submission:

Labcorp Genetics (formerly Invitae), Labcorp
Classification: Uncertain significance for Rienhoff syndrome. Last evaluated: 2023-11-04. Review status: criteria provided, single submitter. Criteria: Invitae Variant Classification Sherloc (09022015). Collection method: clinical testing. Allele origin: unknown.
Comment: A copy number gain of the genomic region encompassing the full coding sequence of the TGFB3 gene has been identified. The boundaries of this event are unknown as they extend beyond the assayed region for this gene and therefore may encompass additional genes. As the precise location of this event is unknown, it may be in tandem or it may be located elsewhere in the genome. This variant has not been reported in the literature in individuals affected with TGFB3-related conditions. In summary, the available evidence is currently insufficient to determine the role of this variant in disease. Therefore, it has been classified as a Variant of Uncertain Significance.